The following is an entry in ClinVar:

ClinVar aggregate classification (germline): Pathogenic (1 of 4 stars; one submission).

Submission:

Labcorp Genetics (formerly Invitae), Labcorp
Classification: Pathogenic. Last evaluated: 2024-10-07. Review status: criteria provided, single submitter. Criteria: Invitae Variant Classification Sherloc (09022015). Collection method: clinical testing. Allele origin: germline.
Comment: This sequence change creates a premature translational stop signal (p.Pro291Alafs*200) in the TCIRG1 gene. It is expected to result in an absent or disrupted protein product. Loss-of-function variants in TCIRG1 are known to be pathogenic (PMID: 10888887, 10942435, 11532986, 19448635). This variant is not present in population databases (gnomAD no frequency). This variant has not been reported in the literature in individuals affected with TCIRG1-related conditions. ClinVar contains an entry for this variant (Variation ID: 2012871). For these reasons, this variant has been classified as Pathogenic.

Literature cited by the submitters: PubMed 10888887; PubMed 10942435; PubMed 11532986; PubMed 19448635.

NM_006019.4(TCIRG1):c.866_869dup (p.Pro291fs)

Gene: TCIRG1 (T cell immune regulator 1, ATPase H+ transporting V0 subunit a3; plus strand). Cytogenetic location: 11q13.2.
Variant type: Duplication.
Coding change: c.866_869dup on transcript NM_006019.4 (MANE Select); coding-DNA positions 866 to 869, 4 bases duplicated (TGCC; older notation c.866_869dupTGCC).
Protein change: p.Pro291fs; shifts the reading frame from proline 291.
Molecular consequence: frameshift variant. On other transcripts: 5 prime UTR variant (1).
Genome position (GRCh38, 1-based): chr11:68,044,190-68,044,193, TGCC duplicated; duplicating any 4 consecutive bases within chr11:68,044,189-68,044,193 gives the same sequence; the c. name uses the placement nearest the transcript's 3' end. VCF-style (leftmost placement, unchanged base first): chr11-68044188-G-GCTGC. GRCh37 (hg19) VCF-style: chr11-67811655-G-GCTGC.
Other names: c.-29_-26dup (NM_001351059.2); c.218_221dup, p.Pro75fs (NM_006053.4); short protein forms P291fs, P75fs.
Identifiers: ClinVar variation 2012871 (VCV002012871.4), dbSNP rs2495627191, ClinGen allele CA2580084688.
Genomic context (GRCh38, chr11:68,044,188, plus strand): 5'-GCAGGTCCTCGGGGAGACAGAGCGGTTCCTGAGCCAGGTGCTAGGCCGGGTGCTGCAGCT[G>GCTGC]CTGCCGCCAGGGCAGGTGCAGGTCCACAAGATGAAGGCCGTGTACCTGGCCCTGAACCAG-3'